The following is an entry in ClinVar:

ClinVar aggregate classification (germline): Uncertain significance (1 of 4 stars; one submission).

Conditions:
Sulfite oxidase deficiency due to molybdenum cofactor deficiency type C. Also called: Molybdenum cofactor deficiency C; Molybdenum cofactor deficiency, complementation group C. Identifiers: Orphanet 308400, Orphanet 833, MedGen C1854990, MONDO:0014212, OMIM 615501.

Submission:

Labcorp Genetics (formerly Invitae), Labcorp
Classification: Uncertain significance for Sulfite oxidase deficiency due to molybdenum cofactor deficiency type C. Last evaluated: 2024-11-06. Review status: criteria provided, single submitter. Criteria: Invitae Variant Classification Sherloc (09022015). Collection method: clinical testing. Allele origin: germline.
Comment: This sequence change replaces proline, which is neutral and non-polar, with arginine, which is basic and polar, at codon 318 of the GPHN protein (p.Pro318Arg). This variant is not present in population databases (gnomAD no frequency). This variant has not been reported in the literature in individuals affected with GPHN-related conditions. Invitae Evidence Modeling of protein sequence and biophysical properties (such as structural, functional, and spatial information, amino acid conservation, physicochemical variation, residue mobility, and thermodynamic stability) indicates that this missense variant is expected to disrupt GPHN protein function with a positive predictive value of 80%. In summary, the available evidence is currently insufficient to determine the role of this variant in disease. Therefore, it has been classified as a Variant of Uncertain Significance.

NM_020806.5(GPHN):c.953C>G (p.Pro318Arg)

Gene: GPHN (gephyrin; plus strand). Cytogenetic location: 14q23.3.
Variant type: single nucleotide variant.
Coding change: c.953C>G on transcript NM_020806.5 (MANE Select); coding-DNA position 953, C replaced by G.
Protein change: p.Pro318Arg; replaces proline 318 with arginine.
Molecular consequence: missense variant.
Genome position (GRCh38, 1-based): chr14:66,965,315, C>G. VCF-style: chr14-66965315-C-G. GRCh37 (hg19) VCF-style: chr14-67432032-C-G.
Other names: c.854C>G, p.Pro285Arg (NM_001024218.2, NM_001377515.1, NM_001377516.1 and 2 more transcripts); c.893C>G, p.Pro298Arg (NM_001377514.1, NM_001377519.1); short protein forms P318R, P285R, P298R.
Identifiers: ClinVar variation 3666006 (VCV003666006.2).
Genomic context (GRCh38, chr14:66,965,315, plus strand): 5'-CTACTCCTTCAGAATCGCCTCGTGCTCAGGCTACATCTCGCCTCTCTACAGCTTCCTGCC[C>G]AACACCAAAAGTAAGTATGGTTCCTTCGCATCTTACACCTGCTCTTCTATAGTAATCTGG-3'
Protein context (NP_065857.1, residues 308-328): ATSRLSTASC[Pro318Arg]TPKVQSRCSS